The following is an entry in ClinVar:

NM_177438.3(DICER1):c.5683C>G (p.Arg1895Gly)

Gene: DICER1 (dicer 1, ribonuclease III; minus strand). Cytogenetic location: 14q32.13.
Variant type: single nucleotide variant.
Coding change: c.5683C>G on transcript NM_177438.3 (MANE Select); coding-DNA position 5683, C replaced by G.
Protein change: p.Arg1895Gly; replaces arginine 1895 with glycine.
Molecular consequence: missense variant. On other transcripts: 3 prime UTR variant (1), non-coding transcript variant (6).
Genome position (GRCh38, 1-based): chr14:95,090,584, G>C on the plus strand (C>G on the coding strand, the complement: DICER1 is on the minus strand). VCF-style: chr14-95090584-G-C. GRCh37 (hg19) VCF-style: chr14-95556921-G-C.
Other names: c.*30C>G (NM_001195573.1); c.5683C>G, p.Arg1895Gly (NM_001271282.3, NM_001291628.2, NM_001395677.1 and 7 more transcripts); c.5401C>G, p.Arg1801Gly (NM_001395686.1); c.5278C>G, p.Arg1760Gly (NM_001395687.1, NM_001395688.1, NM_001395689.1 and 1 more transcripts); c.5116C>G, p.Arg1706Gly (NM_001395691.1); c.4000C>G, p.Arg1334Gly (NM_001395697.1); short protein forms R1334G, R1760G, R1706G, R1801G, R1895G.
Identifiers: ClinVar variation 5035324 (VCV005035324.1).
Genomic context (GRCh38, chr14:95,090,584, plus strand): 5'-TAGCTTTGAGGCTTCGGAGGGCTCTTCTTGCTGCTGCAGATTTGGCAATCCTGTAACTTC[G>C]ACCAACACCTTTAAATTTCCCCTTTCCTACTACTTCCACAGTGACTCTGACCTTCCCGTC-3'
Protein context (NP_803187.1, residues 1885-1905): VGKGKFKGVG[Arg1895Gly]SYRIAKSAAA

ClinVar aggregate classification (germline): Uncertain significance (1 of 4 stars; one submission).

Conditions:
Hereditary cancer-predisposing syndrome. Also called: Hereditary Cancer Syndrome; Neoplastic Syndromes, Hereditary; Tumor predisposition; Hereditary neoplastic syndrome. Identifiers: Orphanet 140162, MedGen C0027672, MeSH D009386, MONDO:0015356.

Submission:

Ambry Genetics
Classification: Uncertain significance for Hereditary cancer-predisposing syndrome. Last evaluated: 2026-08-24. Review status: criteria provided, single submitter. Criteria: Ambry Variant Classification Scheme 2023. Collection method: clinical testing. Allele origin: germline.
Comment: The p.R1895G variant (also known as c.5683C>G), located in coding exon 26 of the DICER1 gene, results from a C to G substitution at nucleotide position 5683. The arginine at codon 1895 is replaced by glycine, an amino acid with dissimilar properties. This amino acid position is conserved. In addition, this alteration is predicted to be deleterious by in silico analysis. Based on the available evidence, the clinical significance of this variant remains unclear.